The following is an entry in ClinVar:

ClinVar aggregate classification (germline): Conflicting classifications of pathogenicity. Review status: criteria provided, conflicting classifications (1 of 4 stars). 2 submissions from 2 submitters: Likely pathogenic (1); Uncertain significance (1). Last evaluated 2023-07-25.

Conditions:
Mucopolysaccharidosis type 1. Also called: IDUA deficiency; MPS I; Mucopolysaccharidosis Type I. Identifiers: Orphanet 579, MedGen C0023786, MONDO:0001586.

Allele frequency attached by ClinVar (database versions not stated): gnomAD 0.00001.

Submissions (2):

Labcorp Genetics (formerly Invitae), Labcorp
Classification: Likely pathogenic for Mucopolysaccharidosis type 1. Last evaluated: 2023-07-25. Review status: criteria provided, single submitter. Criteria: Invitae Variant Classification Sherloc (09022015). Collection method: clinical testing. Allele origin: germline.
Comment: This variant is not present in population databases (gnomAD no frequency). This sequence change replaces arginine, which is basic and polar, with cysteine, which is neutral and slightly polar, at codon 383 of the IDUA protein (p.Arg383Cys). In summary, the currently available evidence indicates that the variant is pathogenic, but additional data are needed to prove that conclusively. Therefore, this variant has been classified as Likely Pathogenic. This variant disrupts the p.Arg383 amino acid residue in IDUA. Other variant(s) that disrupt this residue have been determined to be pathogenic (PMID: 7550242, 12559846, 23786846). This suggests that this residue is clinically significant, and that variants that disrupt this residue are likely to be disease-causing. Advanced modeling of protein sequence and biophysical properties (such as structural, functional, and spatial information, amino acid conservation, physicochemical variation, residue mobility, and thermodynamic stability) performed at Invitae indicates that this missense variant is expected to disrupt IDUA protein function. ClinVar contains an entry for this variant (Variation ID: 2432788). This variant has not been reported in the literature in individuals affected with IDUA-related conditions.

Revvity Omics, Revvity
Classification: Uncertain significance. Last evaluated: 2021-10-06. Review status: criteria provided, single submitter. Criteria: ACMG Guidelines, 2015. Collection method: clinical testing. Allele origin: germline.

Literature cited by the submitters: PubMed 7550242 (cited by Labcorp Genetics (formerly Invitae), Labcorp); PubMed 12559846 (cited by Labcorp Genetics (formerly Invitae), Labcorp); PubMed 23786846 (cited by Labcorp Genetics (formerly Invitae), Labcorp).

NM_000203.5(IDUA):c.1147C>T (p.Arg383Cys)

Gene: IDUA (alpha-L-iduronidase; plus strand). Cytogenetic location: 4p16.3.
Variant type: single nucleotide variant.
Coding change: c.1147C>T on transcript NM_000203.5 (MANE Select); coding-DNA position 1147, C replaced by T.
Protein change: p.Arg383Cys; replaces arginine 383 with cysteine.
Molecular consequence: missense variant. On other transcripts: non-coding transcript variant (1).
Genome position (GRCh38, 1-based): chr4:1,002,443, C>T. VCF-style: chr4-1002443-C-T. GRCh37 (hg19) VCF-style: chr4-996231-C-T.
Other names: c.751C>T, p.Arg251Cys (NM_001363576.1); short protein forms R383C, R251C.
Identifiers: ClinVar variation 2432788 (VCV002432788.6), dbSNP rs751396984, ClinGen allele CA355963424.